The following is an entry in ClinVar:

ClinVar aggregate classification (germline): Uncertain significance. Review status: criteria provided, multiple submitters, no conflicts (2 of 4 stars). 3 submissions from 3 submitters: Uncertain significance (3). Last evaluated 2024-08-06.

Conditions:
Retinoblastoma (RB1). Also called: RETINOBLASTOMA, SOMATIC. Identifiers: Orphanet 790, MedGen C0035335, MeSH D012175, MONDO:0008380, OMIM 180200, HP:0009919. Disease mechanism: loss of function. Inheritance: Both sporadic and heritable forms are tested..
Hereditary cancer-predisposing syndrome. Also called: Neoplastic Syndromes, Hereditary; Tumor predisposition; Hereditary neoplastic syndrome; Hereditary Cancer Syndrome. Identifiers: Orphanet 140162, MedGen C0027672, MeSH D009386, MONDO:0015356.

gnomAD v4.1: 1 of 1,502,932 alleles (0.000067%); no homozygotes.

Submissions (3):

All of Us Research Program, National Institutes of Health
Classification: Uncertain significance for Retinoblastoma. Last evaluated: 2024-08-06. Review status: criteria provided, single submitter. Criteria: ACMG Guidelines, 2015. Collection method: clinical testing. Allele origin: germline. Inheritance: Autosomal dominant inheritance. Observed: 1 variant allele, 1 heterozygote.
Comment: This study involves interpretation of variants in research participants for the purpose of population health screening. Participant phenotype was not available at the time of variant classification. Additional details can be found in publication PMID: 35346344, PMCID: PMC8962531

Labcorp Genetics (formerly Invitae), Labcorp
Classification: Uncertain significance for Retinoblastoma. Last evaluated: 2024-06-30. Review status: criteria provided, single submitter. Criteria: Invitae Variant Classification Sherloc (09022015). Collection method: clinical testing. Allele origin: germline.
Comment: This sequence change replaces proline, which is neutral and non-polar, with threonine, which is neutral and polar, at codon 20 of the RB1 protein (p.Pro20Thr). This variant is present in population databases (no rsID available, gnomAD 0.007%). This variant has not been reported in the literature in individuals affected with RB1-related conditions. Advanced modeling of protein sequence and biophysical properties (such as structural, functional, and spatial information, amino acid conservation, physicochemical variation, residue mobility, and thermodynamic stability) has been performed at Invitae for this missense variant, however the output from this modeling did not meet the statistical confidence thresholds required to predict the impact of this variant on RB1 protein function. In summary, the available evidence is currently insufficient to determine the role of this variant in disease. Therefore, it has been classified as a Variant of Uncertain Significance.

Ambry Genetics
Classification: Uncertain significance for Hereditary cancer-predisposing syndrome. Last evaluated: 2024-04-16. Review status: criteria provided, single submitter. Criteria: Ambry Variant Classification Scheme 2023. Collection method: clinical testing. Allele origin: germline.
Comment: The p.P20T variant (also known as c.58C>A), located in coding exon 1 of the RB1 gene, results from a C to A substitution at nucleotide position 58. The proline at codon 20 is replaced by threonine, an amino acid with highly similar properties. This amino acid position is highly conserved in available vertebrate species. In addition, the in silico prediction for this alteration is inconclusive. Based on the available evidence, the clinical significance of this variant remains unclear.

NM_000321.3(RB1):c.58C>A (p.Pro20Thr)

Gene: RB1 (RB transcriptional corepressor 1; plus strand). Cytogenetic location: 13q14.2.
Variant type: single nucleotide variant.
Coding change: c.58C>A on transcript NM_000321.3 (MANE Select); coding-DNA position 58, C replaced by A.
Protein change: p.Pro20Thr; replaces proline 20 with threonine.
Molecular consequence: missense variant.
Genome position (GRCh38, 1-based): chr13:48,303,970, C>A. VCF-style: chr13-48303970-C-A. GRCh37 (hg19) VCF-style: chr13-48878106-C-A.
Other names: c.58C>A, p.Pro20Thr (NM_001407165.1, NM_001407166.1, NM_001407167.1); short protein forms P20T.
Identifiers: ClinVar variation 3313019 (VCV003313019.4).
Genomic context (GRCh38, chr13:48,303,970, plus strand): 5'-GTCATGCCGCCCAAAACCCCCCGAAAAACGGCCGCCACCGCCGCCGCTGCCGCCGCGGAA[C>A]CCCCGGCACCGCCGCCGCCGCCCCCTCCTGAGGAGGACCCAGAGCAGGACAGCGGCCCGG-3'
Protein context (NP_000312.2, residues 10-30): AATAAAAAAE[Pro20Thr]PAPPPPPPPE